The following is an entry in ClinVar:

ClinVar aggregate classification (germline): Uncertain significance (1 of 4 stars; one submission).

Conditions:
Congenital myasthenic syndrome 12 (CMS12). Also called: Myasthenia, congenital, 12, with tubular aggregates; MYASTHENIC SYNDROME, CONGENITAL, WITH TUBULAR AGGREGATES 1. Identifiers: Orphanet 353327, Orphanet 590, MedGen C3552335, MONDO:0012518, OMIM 610542.

Allele frequency attached by ClinVar (database versions not stated): gnomAD exomes below 0.00001 and 0.00001; TOPMed below 0.00001; gnomAD 0.00001.
gnomAD v4.1: 11 of 1,612,650 alleles (0.00068%); highest among the groups gnomAD compares: Non-Finnish European, 0.00085%; no homozygotes.

Submission:

Labcorp Genetics (formerly Invitae), Labcorp
Classification: Uncertain significance for Congenital myasthenic syndrome 12. Last evaluated: 2020-05-10. Review status: criteria provided, single submitter. Criteria: Invitae Variant Classification Sherloc (09022015). Collection method: clinical testing. Allele origin: germline.
Comment: In summary, the available evidence is currently insufficient to determine the role of this variant in disease. Therefore, it has been classified as a Variant of Uncertain Significance. Algorithms developed to predict the effect of missense changes on protein structure and function (SIFT, PolyPhen-2, Align-GVGD) all suggest that this variant is likely to be tolerated, but these predictions have not been confirmed by published functional studies and their clinical significance is uncertain. This variant has not been reported in the literature in individuals with GFPT1-related conditions. This variant is not present in population databases (ExAC no frequency). This sequence change replaces glutamine with glutamic acid at codon 197 of the GFPT1 protein (p.Gln197Glu). The glutamine residue is moderately conserved and there is a small physicochemical difference between glutamine and glutamic acid.

NM_001244710.2(GFPT1):c.589C>G (p.Gln197Glu)

Gene: GFPT1 (glutamine--fructose-6-phosphate transaminase 1; minus strand). Cytogenetic location: 2p13.3.
Variant type: single nucleotide variant.
Coding change: c.589C>G on transcript NM_001244710.2 (MANE Select); coding-DNA position 589, C replaced by G.
Protein change: p.Gln197Glu; replaces glutamine 197 with glutamic acid.
Molecular consequence: missense variant.
Genome position (GRCh38, 1-based): chr2:69,356,512, G>C on the plus strand (C>G on the coding strand, the complement: GFPT1 is on the minus strand). VCF-style: chr2-69356512-G-C. GRCh37 (hg19) VCF-style: chr2-69583644-G-C.
Other names: c.589C>G, p.Gln197Glu (NM_002056.4); short protein forms Q197E.
Identifiers: ClinVar variation 1046188 (VCV001046188.8), dbSNP rs773850508, ClinGen allele CA49526633.